The following is an entry in ClinVar:

ClinVar aggregate classification (germline): Benign (1 of 4 stars; one submission).

Conditions:
Leigh syndrome (NULS). Also called: Leigh's necrotizing encephalopathy; Leigh's disease; Leigh's syndrome; LEIGH SYNDROME, NUCLEAR; Leigh Syndrome (mtDNA deletion); Leigh Disease. Identifiers: Orphanet 506, MedGen C2931891, MONDO:0009723, OMIM 256000.

Submission:

Wong Mito Lab, Molecular and Human Genetics, Baylor College of Medicine
Classification: Benign for Leigh syndrome. Last evaluated: 2019-10-17. Review status: criteria provided, single submitter. Criteria: Modified ACMG Guidelines (Unpublished). Collection method: clinical testing. Allele origin: germline.
Comment: The NC_012920.1:m.14990C>T (YP_003024038.1:p.Leu82Phe) variant in MTCYB gene is interpretated to be a Benign variant based on the modified ACMG guidelines (unpublished). This variant meets the following evidence codes: BS1, BS2

NC_012920.1(MT-CYB):m.14990C>T

Gene: MT-CYB (mitochondrially encoded cytochrome b; plus strand).
Variant type: single nucleotide variant.
Genome position: chrM-14990-C-T.
Identifiers: ClinVar variation 693805 (VCV000693805.1), dbSNP rs1603225008, ClinGen allele CA913172645.